The following is an entry in ClinVar:

ClinVar aggregate classification (germline): Likely pathogenic (1 of 4 stars; one submission).

Conditions:
Primary ciliary dyskinesia 3. Identifiers: Orphanet 244, MedGen C1837618, MONDO:0012085, OMIM 608644.

Submission:

Myriad Genetics, Inc.
Classification: Likely pathogenic for Primary ciliary dyskinesia 3. Last evaluated: 2021-11-02. Review status: criteria provided, single submitter. Criteria: Myriad Women's Health Autosomal Recessive and X-Linked Classification Criteria (2021). Collection method: clinical testing. Allele origin: unknown.
Comment: NM_001369.2(DNAH5):c.5046_5047insCATC(E1683Hfs*66) is expected to be pathogenic in the context of DNAH5-related primary ciliary dyskinesia. This variant is predicted to lead to an abnormal or absent protein product due to the creation of a premature termination codon in DNAH5, a gene where loss-of-function variants are known to be pathogenic. Please note: this variant was assessed in the context of healthy population screening.

NM_001369.3(DNAH5):c.5046_5047insCATC (p.Glu1683fs)

Gene: DNAH5 (dynein axonemal heavy chain 5; minus strand). Cytogenetic location: 5p15.2.
Variant type: Insertion.
Coding change: c.5046_5047insCATC on transcript NM_001369.3 (MANE Select); coding-DNA positions 5046 to 5047, CATC inserted.
Protein change: p.Glu1683fs; shifts the reading frame from glutamic acid 1683.
Molecular consequence: frameshift variant.
Genome position: GRCh38 VCF-style: chr5-13850719-C-CGATG. GRCh37 (hg19) VCF-style: chr5-13850828-C-CGATG.
Other names: short protein forms E1683fs.
Identifiers: ClinVar variation 1723976 (VCV001723976.2), dbSNP rs2546942179, ClinGen allele CA2580072046.
Genomic context (GRCh38, chr5:13,850,719, plus strand): 5'-GGGATTTCTGGCATATTTCCAACTGGTCCAGCAAGTGTGGTAACAGCTGCCCCAGGGTCT[C>CGATG]ATCTCCAACACAGCACTGGACTACACTGGGCACTTCATGTGCCCGAGTCATGATCTTCAC-3'